The following is an entry in ClinVar:

Conditions:
Long QT syndrome 5 (LQT5). Identifiers: Orphanet 101016, Orphanet 768, MedGen C1867904, MONDO:0013372, OMIM 613695.

Submission:

Roden Lab, Vanderbilt University Medical Center
No classification provided (evidence only). Condition: Long QT syndrome 5. Review status: no classification provided. Collection method: in vitro. Allele origin: not applicable. Functional consequence: Effect on ion channel function.
ClinVar note: "not provided" was previously submitted as the classification for the variant. However, the classification appeared to be based only on an observation of functional data so it was converted to no classification on 2025-07-30.

NM_000219.6(KCNE1):c.371A>T (p.Glu124Val)

Gene: KCNE1 (potassium voltage-gated channel subfamily E regulatory subunit 1; minus strand). Cytogenetic location: 21q22.12.
Variant type: single nucleotide variant.
Coding change: c.371A>T on transcript NM_000219.6 (MANE Select); coding-DNA position 371, A replaced by T.
Protein change: p.Glu124Val; replaces glutamic acid 124 with valine.
Molecular consequence: missense variant.
Genome position (GRCh38, 1-based): chr21:34,449,264, T>A on the plus strand (A>T on the coding strand, the complement: KCNE1 is on the minus strand). VCF-style: chr21-34449264-T-A. GRCh37 (hg19) VCF-style: chr21-35821562-T-A.
Other names: c.371A>T, p.Glu124Val (NM_001127668.4, NM_001127669.4, NM_001127670.4 and 4 more transcripts); short protein forms E124V.
Identifiers: ClinVar variation 3373846 (VCV003373846.2).